The following is an entry in ClinVar:

ClinVar aggregate classification (germline): Uncertain significance (1 of 4 stars; one submission).

Submission:

Laboratory for Molecular Medicine, Mass General Brigham Personalized Medicine
Classification: Uncertain significance. Last evaluated: 2014-04-18. Review status: criteria provided, single submitter. Criteria: LMM Criteria. Collection method: clinical testing. Allele origin: germline. Observed: 1 variant allele.
Comment: The Asp3His variant in ACTC1 has not been previously reported in any other famil ies with cardimyopathy and was absent from large population studies. Computation al prediction tools and conservation analysis do not provide strong support for or against an impact to the protein. In summary, the clinical significance of th e Asp3His variant is uncertain.

NM_005159.5(ACTC1):c.7G>C (p.Asp3His)

Genes: ACTC1 (actin alpha cardiac muscle 1; minus strand), GJD2-DT (GJD2 divergent transcript; plus strand). Cytogenetic location: 15q14.
Variant type: single nucleotide variant.
Coding change: c.7G>C on transcript NM_005159.5 (MANE Select); coding-DNA position 7, G replaced by C.
Protein change: p.Asp3His; replaces aspartic acid 3 with histidine.
Molecular consequence: missense variant.
Genome position (GRCh38, 1-based): chr15:34,794,802, C>G on the plus strand (G>C on the coding strand, the complement: ACTC1 is on the minus strand). VCF-style: chr15-34794802-C-G. GRCh37 (hg19) VCF-style: chr15-35087003-C-G.
Other names: short protein forms D3H.
Identifiers: ClinVar variation 45188 (VCV000045188.4), dbSNP rs397517069, ClinGen allele CA019928.
Genomic context (GRCh38, chr15:34,794,802, plus strand): 5'-AGCCGGCCTTCACCAGCCCAGAGCCGTTGTCGCACACCAGGGCGGTGGTCTCCTCGTCGT[C>G]ACACATCTTGGCACAGCTTCAGGGGGTTCTGCAGGTTGAGGAGGGGAGGGCGGACCACGC-3'
Protein context (NP_005150.1, residues 1-13): MC[Asp3His]DEETTALVCD